The following is an entry in ClinVar:

ClinVar aggregate classification (germline): Uncertain significance. Review status: criteria provided, multiple submitters, no conflicts (2 of 4 stars). 5 submissions from 5 submitters: Uncertain significance (4). 1 of the submissions does not count toward it. Last evaluated 2025-01-30.

Conditions:
Alstrom syndrome (ALMS). Identifiers: Orphanet 64, MedGen C0268425, MONDO:0008763, OMIM 203800.
Cardiovascular phenotype. Identifiers: MedGen CN230736.

Allele frequency attached by ClinVar (database versions not stated): ExAC 0.00001; gnomAD 0.00001 and 0.00002; TOPMed 0.00001; gnomAD exomes 0.00002 and 0.00003.
gnomAD v4.1: 49 of 1,614,068 alleles (0.003%); highest among the groups gnomAD compares: Middle Eastern, 0.082%; no homozygotes.

Submissions (5):

Labcorp Genetics (formerly Invitae), Labcorp
Classification: Uncertain significance for Alstrom syndrome. Last evaluated: 2025-01-30. Review status: criteria provided, single submitter. Criteria: Invitae Variant Classification Sherloc (09022015). Collection method: clinical testing. Allele origin: germline.
Comment: This sequence change replaces arginine, which is basic and polar, with tryptophan, which is neutral and slightly polar, at codon 3824 of the ALMS1 protein (p.Arg3824Trp). This variant is present in population databases (rs17848868, gnomAD 0.01%). This variant has not been reported in the literature in individuals affected with ALMS1-related conditions. ClinVar contains an entry for this variant (Variation ID: 967991). Experimental studies and prediction algorithms are not available or were not evaluated, and the functional significance of this variant is currently unknown. In summary, the available evidence is currently insufficient to determine the role of this variant in disease. Therefore, it has been classified as a Variant of Uncertain Significance.

Blueprint Genetics
Classification: Uncertain significance. Last evaluated: 2024-04-16. Review status: criteria provided, single submitter. Criteria: ACMG Guidelines, 2015. Collection method: clinical testing. Allele origin: germline.

Ambry Genetics
Classification: Uncertain significance for Cardiovascular phenotype. Last evaluated: 2021-03-04. Review status: criteria provided, single submitter. Criteria: Ambry Variant Classification Scheme 2023. Collection method: clinical testing. Allele origin: germline.
Comment: The p.R3824W variant (also known as c.11470C>T), located in coding exon 16 of the ALMS1 gene, results from a C to T substitution at nucleotide position 11470. The arginine at codon 3824 is replaced by tryptophan, an amino acid with dissimilar properties. This amino acid position is not well conserved in available vertebrate species. In addition, the in silico prediction for this alteration is inconclusive. Since supporting evidence is limited at this time, the clinical significance of this alteration remains unclear.

GeneDx
Classification: Uncertain significance. Last evaluated: 2020-01-20. Review status: criteria provided, single submitter. Criteria: GeneDx Variant Classification Process June 2021. Collection method: clinical testing. Allele origin: germline. Affected: yes.
Comment: Not observed at a significant frequency in large population cohorts (Lek et al., 2016); In silico analysis, which includes protein predictors and evolutionary conservation, supports a deleterious effect; Has not been previously published as pathogenic or benign to our knowledge

Natera, Inc.
Classification: Uncertain significance for Alstrom syndrome. Last evaluated: 2021-04-23. Review status: no assertion criteria provided. Collection method: clinical testing. Allele origin: germline. Not counted in ClinVar's aggregate classification.

NM_001378454.1(ALMS1):c.11467C>T (p.Arg3823Trp)

Gene: ALMS1 (ALMS1 centrosome and basal body associated protein; plus strand). Cytogenetic location: 2p13.1.
Variant type: single nucleotide variant.
Coding change: c.11467C>T on transcript NM_001378454.1 (MANE Select); coding-DNA position 11467, C replaced by T.
Protein change: p.Arg3823Trp; replaces arginine 3823 with tryptophan.
Molecular consequence: missense variant.
Genome position (GRCh38, 1-based): chr2:73,573,344, C>T. VCF-style: chr2-73573344-C-T. GRCh37 (hg19) VCF-style: chr2-73800471-C-T.
Other names: c.11470C>T, p.Arg3824Trp (NM_015120.4); short protein forms R3823W, R3824W.
Identifiers: ClinVar variation 967991 (VCV000967991.13), dbSNP rs17848868, ClinGen allele CA1715201.